The following is an entry in ClinVar:

NM_000303.3(PMM2):c.458T>G (p.Ile153Arg)

Gene: PMM2 (phosphomannomutase 2; plus strand). Cytogenetic location: 16p13.2.
Variant type: single nucleotide variant.
Coding change: c.458T>G on transcript NM_000303.3 (MANE Select); coding-DNA position 458, T replaced by G.
Protein change: p.Ile153Arg; replaces isoleucine 153 with arginine.
Molecular consequence: missense variant.
Genome position (GRCh38, 1-based): chr16:8,811,648, T>G. VCF-style: chr16-8811648-T-G. GRCh37 (hg19) VCF-style: chr16-8905505-T-G.
Other names: short protein forms I153R.
Identifiers: ClinVar variation 1422606 (VCV001422606.9), dbSNP rs150577656, ClinGen allele CA394696886.

ClinVar aggregate classification (germline): Conflicting classifications of pathogenicity. Review status: criteria provided, conflicting classifications (1 of 4 stars). 3 submissions from 3 submitters: Likely pathogenic (2); Uncertain significance (1). Last evaluated 2023-09-08.

Conditions:
PMM2-congenital disorder of glycosylation. Also called: JAEKEN SYNDROME; CARBOHYDRATE-DEFICIENT GLYCOPROTEIN SYNDROME, TYPE Ia; CDG Ia; Congenital disorder of glycosylation, type Ia; PMM2-CDG; PHOSPHOMANNOMUTASE 2 DEFICIENCY. Identifiers: Orphanet 79318, MedGen C0349653, MONDO:0008907, OMIM 212065.

gnomAD v4.1: 7 of 1,611,344 alleles (0.00043%); highest among the groups gnomAD compares: Non-Finnish European, 0.00051%; no homozygotes.

Submissions (3):

Labcorp Genetics (formerly Invitae), Labcorp
Classification: Likely pathogenic for PMM2-congenital disorder of glycosylation. Last evaluated: 2023-09-08. Review status: criteria provided, single submitter. Criteria: Invitae Variant Classification Sherloc (09022015). Collection method: clinical testing. Allele origin: germline.
Comment: In summary, the currently available evidence indicates that the variant is pathogenic, but additional data are needed to prove that conclusively. Therefore, this variant has been classified as Likely Pathogenic. This variant disrupts the p.Ile153 amino acid residue in PMM2. Other variant(s) that disrupt this residue have been determined to be pathogenic (PMID: 11058895, 11156536, 25497157, 26502900). This suggests that this residue is clinically significant, and that variants that disrupt this residue are likely to be disease-causing. Algorithms developed to predict the effect of sequence changes on RNA splicing suggest that this variant may create or strengthen a splice site. Advanced modeling of protein sequence and biophysical properties (such as structural, functional, and spatial information, amino acid conservation, physicochemical variation, residue mobility, and thermodynamic stability) performed at Invitae indicates that this missense variant is expected to disrupt PMM2 protein function. ClinVar contains an entry for this variant (Variation ID: 1422606). This variant has not been reported in the literature in individuals affected with PMM2-related conditions. This variant is present in population databases (no rsID available, gnomAD 0.003%). This sequence change replaces isoleucine, which is neutral and non-polar, with arginine, which is basic and polar, at codon 153 of the PMM2 protein (p.Ile153Arg).

Center for Genomics, Ann and Robert H. Lurie Children's Hospital of Chicago
Classification: Uncertain significance for PMM2-congenital disorder of glycosylation. Last evaluated: 2022-07-15. Review status: criteria provided, single submitter. Criteria: ACMG Guidelines, 2015. Collection method: clinical testing. Allele origin: germline.
Comment: This variant has not been reported in the literature and is not present in large control databases. This variant is present in ClinVar (Variation ID:1422606). Evolutionary conservation and computational predictive tools suggest that this variant may impact the protein. Of note, other variants at this position have been reported in association with disease (p.Ile153Met, p.Ile153Thr) supporting the potential functional relevance of this codon. In summary, data on this variant is highly suspicious for disease, but requires further evidence for pathogenicity. Therefore, the clinical significance of this variant is uncertain.

Victorian Clinical Genetics Services, Murdoch Childrens Research Institute
Classification: Likely pathogenic for PMM2-congenital disorder of glycosylation. Last evaluated: 2020-10-19. Review status: criteria provided, single submitter. Criteria: ACMG Guidelines, 2015. Collection method: clinical testing. Allele origin: germline. Inheritance: Autosomal recessive inheritance. Affected: yes.
Comment: Based on the classification scheme VCGS_Germline_v1.3.2, this variant is classified as Likely Pathogenic. Following criteria are met: 0102 - Loss of function is a known mechanism of disease in this gene and is associated with PMM2-congenital disorder of glycosylation (PMM2-CDG). (I) 0106 - This gene is associated with autosomal recessive disease. (I) 0200 - Variant is predicted to result in a missense amino acid change from isoleucine to arginine (exon 6). (I) 0251 - This variant is heterozygous. (I) 0304 - Variant is present in gnomAD v2 <0.01 for a recessive condition (1 heterozygote, 0 homozygotes). (SP) 0309 - An alternative amino acid change at the same position has been observed in gnomAD (v2) (4 heterozygotes, 0 homozygotes). (I) 0501 - Missense variant consistently predicted to be damaging by multiple in silico tools or highly conserved with a major amino acid change. (SP) 0600 - Variant is located in the annotated PMM domain (NCBI, Decipher, PDB). (I) 0704 - Another missense variant comparable to the one identified in this case has limited previous evidence for pathogenicity. A different variant in the same codon resulting in a change to a threonine has been shown to cause PMM2-CDG (ClinVar, PMID: 26502900, 30991241). (SP) 0807 - This variant has no previous evidence of pathogenicity. (I) 0905 - No published segregation evidence has been identified for this variant. (I) 1007 - No published functional evidence has been identified for this variant. (I) 1102 - Strong phenotype match for this individual. (SP) 1201 - Heterozygous variant detected in trans with a second pathogenic heterozygous variant, p.(Val231Met) in a recessive disease. (I) Legend: (SP) - Supporting pathogenic, (I) - Information, (SB) - Supporting benign

Literature cited by the submitters: PubMed 11058895 (cited by Labcorp Genetics (formerly Invitae), Labcorp); PubMed 11156536 (cited by Labcorp Genetics (formerly Invitae), Labcorp); PubMed 25497157 (cited by Labcorp Genetics (formerly Invitae), Labcorp); PubMed 26502900 (cited by Labcorp Genetics (formerly Invitae), Labcorp and Victorian Clinical Genetics Services, Murdoch Childrens Research Institute); PubMed 30991241 (cited by Victorian Clinical Genetics Services, Murdoch Childrens Research Institute).